The following is an entry in ClinVar:

ClinVar aggregate classification (germline): Likely benign. Review status: criteria provided, multiple submitters, no conflicts (2 of 4 stars). 3 submissions from 3 submitters: Likely benign (3). Last evaluated 2025-08-01.

Conditions:
Hereditary cancer-predisposing syndrome. Also called: Neoplastic Syndromes, Hereditary; Hereditary Cancer Syndrome; Tumor predisposition; Hereditary neoplastic syndrome. Identifiers: Orphanet 140162, MedGen C0027672, MeSH D009386, MONDO:0015356.
Cardiovascular phenotype. Identifiers: MedGen CN230736.
Neurofibromatosis, type 1 (NF1). Also called: VON RECKLINGHAUSEN DISEASE; NEUROFIBROMATOSIS, TYPE I, SOMATIC; Peripheral type neurofibromatosis; Neurofibromatosis, type I. Identifiers: Orphanet 636, MedGen C0027831, MONDO:0018975, OMIM 162200. Disease mechanism: loss of function.

Submissions (3):

CeGaT Center for Human Genetics Tuebingen
Classification: Likely benign. Last evaluated: 2025-08-01. Review status: criteria provided, single submitter. Criteria: CeGaT Center For Human Genetics Tuebingen Variant Classification Criteria Version 2. Collection method: clinical testing. Allele origin: germline. Affected: yes. Observed: 1 variant allele.
Comment: NF1: PM2:Supporting, BP4, BP7

Ambry Genetics
Classification: Likely benign for Cardiovascular phenotype; Hereditary cancer-predisposing syndrome. Last evaluated: 2020-06-10. Review status: criteria provided, single submitter. Criteria: Ambry Variant Classification Scheme 2023. Collection method: clinical testing. Allele origin: germline.

Labcorp Genetics (formerly Invitae), Labcorp
Classification: Likely benign for Neurofibromatosis, type 1. Last evaluated: 2017-09-11. Review status: criteria provided, single submitter. Criteria: Invitae Variant Classification Sherloc (09022015). Collection method: clinical testing. Allele origin: germline.

NM_001042492.3(NF1):c.2130C>T (p.Phe710=)

Gene: NF1 (neurofibromin 1; plus strand). Cytogenetic location: 17q11.2.
Variant type: single nucleotide variant.
Coding change: c.2130C>T on transcript NM_001042492.3 (MANE Select); coding-DNA position 2130, C replaced by T.
Protein change: p.Phe710=; no amino-acid change (phenylalanine 710 retained).
Molecular consequence: synonymous variant.
Genome position (GRCh38, 1-based): chr17:31,226,563, C>T. VCF-style: chr17-31226563-C-T. GRCh37 (hg19) VCF-style: chr17-29553581-C-T.
Other names: c.2130C>T, p.Phe710= (NM_000267.4).
Identifiers: ClinVar variation 527610 (VCV000527610.18), dbSNP rs1555613806, ClinGen allele CA499443805.